The following is an entry in ClinVar:

ClinVar aggregate classification (germline): Uncertain significance (1 of 4 stars; one submission).

Conditions:
Immunodeficiency 23 (IMD23). Also called: IMMUNODEFICIENCY WITH HYPER IgE AND COGNITIVE IMPAIRMENT; IMMUNODEFICIENCY-VASCULITIS-MYOCLONUS SYNDROME. Identifiers: Orphanet 443811, MedGen C4014371, MONDO:0014353, OMIM 615816.

Allele frequency attached by ClinVar (database versions not stated): gnomAD exomes 0.00001.
gnomAD v4.1: 7 of 1,586,152 alleles (0.00044%); highest among the groups gnomAD compares: Non-Finnish European, 0.00061%; no homozygotes.

Submission:

Labcorp Genetics (formerly Invitae), Labcorp
Classification: Uncertain significance for Immunodeficiency 23. Last evaluated: 2022-03-01. Review status: criteria provided, single submitter. Criteria: Invitae Variant Classification Sherloc (09022015). Collection method: clinical testing. Allele origin: germline.
Comment: In summary, the available evidence is currently insufficient to determine the role of this variant in disease. Therefore, it has been classified as a Variant of Uncertain Significance. Algorithms developed to predict the effect of missense changes on protein structure and function output the following: SIFT: "Tolerated"; PolyPhen-2: "Benign"; Align-GVGD: "Class C0". The methionine amino acid residue is found in multiple mammalian species, which suggests that this missense change does not adversely affect protein function. This variant has not been reported in the literature in individuals affected with PGM3-related conditions. This variant is not present in population databases (gnomAD no frequency). This sequence change replaces isoleucine, which is neutral and non-polar, with methionine, which is neutral and non-polar, at codon 436 of the PGM3 protein (p.Ile436Met).

NM_015599.3(PGM3):c.1224T>G (p.Ile408Met)

Gene: PGM3 (phosphoglucomutase 3; minus strand). Cytogenetic location: 6q14.1.
Variant type: single nucleotide variant.
Coding change: c.1224T>G on transcript NM_015599.3 (MANE Select); coding-DNA position 1224, T replaced by G.
Protein change: p.Ile408Met; replaces isoleucine 408 with methionine.
Molecular consequence: missense variant. On other transcripts: non-coding transcript variant (1).
Genome position (GRCh38, 1-based): chr6:83,174,392, A>C on the plus strand (T>G on the coding strand, the complement: PGM3 is on the minus strand). VCF-style: chr6-83174392-A-C. GRCh37 (hg19) VCF-style: chr6-83884111-A-C.
Other names: c.1308T>G, p.Ile436Met (NM_001199917.2, NM_001367287.1); c.981T>G, p.Ile327Met (NM_001199918.2); c.1224T>G, p.Ile408Met (NM_001199919.2, NM_001367286.1); short protein forms I436M, I408M, I327M.
Identifiers: ClinVar variation 2104922 (VCV002104922.2), dbSNP rs2538065683, ClinGen allele CA364879830.